The following is an entry in ClinVar:

NM_002109.6(HARS1):c.611T>C (p.Ile204Thr)

Gene: HARS1 (histidyl-tRNA synthetase 1; minus strand). Cytogenetic location: 5q31.3.
Variant type: single nucleotide variant.
Coding change: c.611T>C on transcript NM_002109.6 (MANE Select); coding-DNA position 611, T replaced by C.
Protein change: p.Ile204Thr; replaces isoleucine 204 with threonine.
Molecular consequence: missense variant.
Genome position (GRCh38, 1-based): chr5:140,677,927, A>G on the plus strand (T>C on the coding strand, the complement: HARS1 is on the minus strand). VCF-style: chr5-140677927-A-G. GRCh37 (hg19) VCF-style: chr5-140057512-A-G.
Other names: c.491T>C, p.Ile164Thr (NM_001258040.3); c.551T>C, p.Ile184Thr (NM_001258041.3); c.431T>C, p.Ile144Thr (NM_001258042.3); c.389T>C, p.Ile130Thr (NM_001289092.2); c.269T>C, p.Ile90Thr (NM_001289093.2); c.524T>C, p.Ile175Thr (NM_001289094.2); short protein forms I130T, I144T, I164T, I184T, I90T, I175T, I204T.
Identifiers: ClinVar variation 2094331 (VCV002094331.4), dbSNP rs2481258654, ClinGen allele CA361255467.

ClinVar aggregate classification (germline): Uncertain significance (1 of 4 stars; one submission).

Conditions:
Usher syndrome type 3B. Also called: USHER SYNDROME, TYPE IIIB. Identifiers: MedGen C3281066, MONDO:0013788, OMIM 614504.

Submission:

Labcorp Genetics (formerly Invitae), Labcorp
Classification: Uncertain significance for Usher syndrome type 3B. Last evaluated: 2022-03-04. Review status: criteria provided, single submitter. Criteria: Invitae Variant Classification Sherloc (09022015). Collection method: clinical testing. Allele origin: germline.
Comment: This variant has not been reported in the literature in individuals affected with HARS-related conditions. Algorithms developed to predict the effect of missense changes on protein structure and function are either unavailable or do not agree on the potential impact of this missense change (SIFT: "Deleterious"; PolyPhen-2: "Benign"; Align-GVGD: "Class C0"). In summary, the available evidence is currently insufficient to determine the role of this variant in disease. Therefore, it has been classified as a Variant of Uncertain Significance. This sequence change replaces isoleucine, which is neutral and non-polar, with threonine, which is neutral and polar, at codon 204 of the HARS protein (p.Ile204Thr). This variant is not present in population databases (gnomAD no frequency).